The following is an entry in ClinVar:

ClinVar aggregate classification (germline): Uncertain significance (1 of 4 stars; one submission).

Conditions:
Familial adenomatous polyposis 1 (FAP1). Also called: FAMILIAL ADENOMATOUS POLYPOSIS 1, ATTENUATED; POLYPOSIS, ADENOMATOUS INTESTINAL. Identifiers: MedGen C2713442, MONDO:0021056, OMIM 175100. Disease mechanism: loss of function.

Submission:

Labcorp Genetics (formerly Invitae), Labcorp
Classification: Uncertain significance for Familial adenomatous polyposis 1. Last evaluated: 2025-05-25. Review status: criteria provided, single submitter. Criteria: Invitae Variant Classification Sherloc (09022015). Collection method: clinical testing. Allele origin: germline.
Comment: This variant occurs in a non-coding region of the APC gene. It does not change the encoded amino acid sequence of the APC protein. This variant is not present in population databases (gnomAD no frequency). This variant has not been reported in the literature in individuals affected with APC-related conditions. Experimental studies and prediction algorithms are not available or were not evaluated, and the functional significance of this variant is currently unknown. In summary, the available evidence is currently insufficient to determine the role of this variant in disease. Therefore, it has been classified as a Variant of Uncertain Significance.

NC_000005.10:g.112707409G>T

Gene: APC (APC regulator of Wnt signaling pathway; plus strand). Cytogenetic location: 5q22.2.
Variant type: single nucleotide variant.
Genome position: GRCh38 VCF-style: chr5-112707409-G-T. GRCh37 (hg19) VCF-style: chr5-112043106-G-T.
Identifiers: ClinVar variation 1059481 (VCV001059481.10), dbSNP rs1020543876, ClinGen allele CA2499217374.